The following is an entry in ClinVar:

NM_001130987.2(DYSF):c.5158C>G (p.Pro1720Ala)

Gene: DYSF (dysferlin; plus strand). Cytogenetic location: 2p13.2.
Variant type: single nucleotide variant.
Coding change: c.5158C>G on transcript NM_001130987.2 (MANE Select); coding-DNA position 5158, C replaced by G.
Protein change: p.Pro1720Ala; replaces proline 1720 with alanine.
Molecular consequence: missense variant.
Genome position (GRCh38, 1-based): chr2:71,664,422, C>G. VCF-style: chr2-71664422-C-G. GRCh37 (hg19) VCF-style: chr2-71891552-C-G.
Other names: c.5044C>G, p.Pro1682Ala (NM_001130455.2); c.4999C>G, p.Pro1667Ala (NM_001130976.2); c.5062C>G, p.Pro1688Ala (NM_001130977.2); c.5104C>G, p.Pro1702Ala (NM_001130978.2); c.5134C>G, p.Pro1712Ala (NM_001130979.2); c.5092C>G, p.Pro1698Ala (NM_001130980.2); c.5155C>G, p.Pro1719Ala (NM_001130981.2); c.5137C>G, p.Pro1713Ala (NM_001130982.2); and 5 more; short protein forms P1667A, P1668A, P1681A, P1682A, P1688A, P1689A, P1698A, P1699A.
Identifiers: ClinVar variation 1199341 (VCV001199341.10), dbSNP rs753176482, ClinGen allele CA1707262.

ClinVar aggregate classification (germline): Conflicting classifications of pathogenicity. Review status: criteria provided, conflicting classifications (1 of 4 stars). 6 submissions from 4 submitters: Uncertain significance (5); Benign (1). Last evaluated 2025-08-14.

Conditions:
Autosomal recessive limb-girdle muscular dystrophy. Identifiers: Orphanet 102015, MedGen C2931907, MONDO:0015152.
Distal myopathy with anterior tibial onset. Identifiers: Orphanet 178400, MedGen C1847532, MONDO:0011721, OMIM 606768.
Autosomal recessive limb-girdle muscular dystrophy type 2B (LGMDR2). Also called: Limb-Girdle Muscular Dystrophy Type 2B (LGMD2B); MUSCULAR DYSTROPHY, LIMB-GIRDLE, AUTOSOMAL RECESSIVE 2; Limb-girdle muscular dystrophy, type 2B; MUSCULAR DYSTROPHY, LIMB-GIRDLE, TYPE 3. Identifiers: Orphanet 268, MedGen C1850889, MONDO:0009676, OMIM 253601.
Miyoshi muscular dystrophy 1 (MMD1). Identifiers: Orphanet 45448, MedGen C4551973, MONDO:0024545, OMIM 254130.
Neuromuscular disease caused by qualitative or quantitative defects of dysferlin. Also called: Qualitative or quantitative defects of dysferlin; Dysferlinopathy. Identifiers: Orphanet 207073, MedGen C2931687, MONDO:0016145.

Allele frequency attached by ClinVar (database versions not stated): gnomAD 0.00003; gnomAD exomes 0.00007; ExAC 0.00009.
gnomAD v4.1: 73 of 1,614,116 alleles (0.0045%); highest among the groups gnomAD compares: South Asian, 0.076%; 1 homozygote.

Submissions (6):

Myriad Genetics, Inc.
Classification: Uncertain significance for Autosomal recessive limb-girdle muscular dystrophy. Last evaluated: 2025-08-14. Review status: criteria provided, single submitter. Criteria: Myriad Autosomal Dominant, Autosomal Recessive and X-Linked Classification Criteria (2023). Collection method: clinical testing. Allele origin: unknown.
Comment: NM_003494.3(DYSF):c.5041C>G(P1681A) is a missense variant classified as a variant of uncertain significance in the context of dysferlinopathy. P1681A has not been observed in cases with relevant disease. Relevant functional assessments of this variant are not available in the literature. P1681A has been observed in referenced population frequency databases. In summary, there is insufficient evidence to classify NM_003494.3(DYSF):c.5041C>G(P1681A) as pathogenic or benign. Please note: this variant was assessed in the context of healthy population screening.

Labcorp Genetics (formerly Invitae), Labcorp
Classification: Benign for Neuromuscular disease caused by qualitative or quantitative defects of dysferlin. Last evaluated: 2024-10-18. Review status: criteria provided, single submitter. Criteria: Invitae Variant Classification Sherloc (09022015). Collection method: clinical testing. Allele origin: germline.

Genome-Nilou Lab
Classification: Uncertain significance for Miyoshi muscular dystrophy 1. Last evaluated: 2021-07-14. Review status: criteria provided, single submitter. Criteria: ACMG Guidelines, 2015. Collection method: clinical testing. Allele origin: germline. Affected: no.

Genome-Nilou Lab
Classification: Uncertain significance for Autosomal recessive limb-girdle muscular dystrophy type 2B. Last evaluated: 2021-07-14. Review status: criteria provided, single submitter. Criteria: ACMG Guidelines, 2015. Collection method: clinical testing. Allele origin: germline. Affected: no.

Genome-Nilou Lab
Classification: Uncertain significance for Distal myopathy with anterior tibial onset. Last evaluated: 2021-07-14. Review status: criteria provided, single submitter. Criteria: ACMG Guidelines, 2015. Collection method: clinical testing. Allele origin: germline. Affected: no.

Blueprint Genetics
Classification: Uncertain significance. Last evaluated: 2019-11-12. Review status: criteria provided, single submitter. Criteria: ACMG Guidelines, 2015. Collection method: clinical testing. Allele origin: germline.